The following is an entry in ClinVar:

NM_001161352.2(KCNMA1):c.468C>T (p.Val156=)

Gene: KCNMA1 (potassium calcium-activated channel subfamily M alpha 1; minus strand). Cytogenetic location: 10q22.3.
Variant type: single nucleotide variant.
Coding change: c.468C>T on transcript NM_001161352.2 (MANE Select); coding-DNA position 468, C replaced by T.
Protein change: p.Val156=; no amino-acid change (valine 156 retained).
Molecular consequence: synonymous variant. On other transcripts: intron variant (1).
Genome position (GRCh38, 1-based): chr10:77,403,934, G>A on the plus strand (C>T on the coding strand, the complement: KCNMA1 is on the minus strand). VCF-style: chr10-77403934-G-A. GRCh37 (hg19) VCF-style: chr10-79163692-G-A.
Other names: c.468C>T, p.Val156= (NM_001014797.3, NM_001161353.2, NM_001271519.2 and 7 more transcripts); c.379-152678C>T (NM_001271518.2).
Identifiers: ClinVar variation 767218 (VCV000767218.14), dbSNP rs140636629, ClinGen allele CA5568692.

ClinVar aggregate classification (germline): Likely benign. Review status: criteria provided, multiple submitters, no conflicts (2 of 4 stars). 3 submissions from 3 submitters: Likely benign (3). Last evaluated 2026-03-01.

Conditions:
KCNMA1-related disorder. Also called: KCNMA1-related condition; KCNMA1-related disorders.
Generalized epilepsy-paroxysmal dyskinesia syndrome (PNKD3). Also called: Paroxysmal nonkinesigenic dyskinesia, 3, with or without generalized epilepsy; Generalized epilepsy and paroxysmal dyskinesia. Identifiers: Orphanet 79137, MedGen C5574945, MONDO:0012276, OMIM 609446.

Allele frequency attached by ClinVar (database versions not stated): ExAC 0.00003; gnomAD 0.00005; TOPMed 0.00008; ESP Exome Variant Server 0.00015; 1000 Genomes Project 30x 0.00016; 1000 Genomes Project 0.00020.
gnomAD v4.1: 39 of 1,614,120 alleles (0.0024%); highest among the groups gnomAD compares: African/African-American, 0.016%; no homozygotes.

Submissions (3):

CeGaT Center for Human Genetics Tuebingen
Classification: Likely benign. Last evaluated: 2026-03-01. Review status: criteria provided, single submitter. Criteria: CeGaT Center For Human Genetics Tuebingen Variant Classification Criteria Version 2. Collection method: clinical testing. Allele origin: germline. Affected: yes. Observed: 1 variant allele.
Comment: KCNMA1: BP4, BP7

Labcorp Genetics (formerly Invitae), Labcorp
Classification: Likely benign for Generalized epilepsy-paroxysmal dyskinesia syndrome. Last evaluated: 2025-12-08. Review status: criteria provided, single submitter. Criteria: Invitae Variant Classification Sherloc (09022015). Collection method: clinical testing. Allele origin: germline.

PreventionGenetics, part of Exact Sciences
Classification: Likely benign for KCNMA1-related condition. Last evaluated: 2025-03-19. Review status: criteria provided, single submitter. Criteria: ACMG Guidelines, 2015. Collection method: clinical testing. Allele origin: germline.
Comment: This variant is classified as likely benign based on ACMG/AMP sequence variant interpretation guidelines (Richards et al. 2015 PMID: 25741868, with internal and published modifications).